The following is an entry in ClinVar:

NM_002010.3(FGF9):c.*355C>G

Gene: FGF9 (fibroblast growth factor 9; plus strand). Cytogenetic location: 13q12.11.
Variant type: single nucleotide variant.
Coding change: c.*355C>G on transcript NM_002010.3 (MANE Select); 355 bases downstream of the stop codon, C replaced by G.
Molecular consequence: 3 prime UTR variant.
Genome position (GRCh38, 1-based): chr13:21,701,790, C>G. VCF-style: chr13-21701790-C-G. GRCh37 (hg19) VCF-style: chr13-22275929-C-G.
Identifiers: ClinVar variation 311440 (VCV000311440.5), dbSNP rs147999718, ClinGen allele CA10643967.
Genomic context (GRCh38, chr13:21,701,790, plus strand): 5'-TGTGTGTGTGTATGTGTGTAGCGGGAGATGTGGGCGGAGCGAGAGCAAAAGGACTGCGGC[C>G]TGATGCATGCTGGAAAAAGACACGCTTTTCATTTCTGATCAGTTGTACTTCATCCTATAT-3'

ClinVar aggregate classification (germline): Benign (1 of 4 stars; one submission).

Conditions:
Multiple synostoses syndrome 3 (SYNS3). Identifiers: Orphanet 3237, MedGen C2751826, MONDO:0013064, OMIM 612961.

Allele frequency attached by ClinVar (database versions not stated): gnomAD exomes 0.00017; gnomAD 0.00096; TOPMed 0.00117; 1000 Genomes Project 30x 0.00125; 1000 Genomes Project 0.00180.
gnomAD v4.1: 165 of 285,498 alleles (0.058%); highest among the groups gnomAD compares: African/African-American, 0.33%; no homozygotes.

Submission:

Illumina Laboratory Services, Illumina
Classification: Benign for Multiple synostoses syndrome 3. Last evaluated: 2018-01-13. Review status: criteria provided, single submitter. Criteria: ICSL Variant Classification Criteria 13 December 2019. Collection method: clinical testing. Allele origin: germline.
Comment: This variant was observed in the ICSL laboratory as part of a predisposition screen in an ostensibly healthy population. It had not been previously curated by ICSL or reported in the Human Gene Mutation Database (HGMD: prior to June 1st, 2018), and was therefore a candidate for classification through an automated scoring system. Utilizing variant allele frequency, disease prevalence and penetrance estimates, and inheritance mode, an automated score was calculated to assess if this variant is too frequent to cause the disease. Based on the score and internal cut-off values, a variant classified as benign is not then subjected to further curation. The score for this variant resulted in a classification of benign for this disease.